The following is an entry in ClinVar:

ClinVar aggregate classification (germline): Uncertain significance (1 of 4 stars; one submission).

Allele frequency attached by ClinVar (database versions not stated): TOPMed 0.00001.
gnomAD v4.1: 1 of 1,614,016 alleles (0.000062%); highest among the groups gnomAD compares: Non-Finnish European, 0.000085%; no homozygotes.

Submission:

Ambry Genetics
Classification: Uncertain significance. Last evaluated: 2024-10-25. Review status: criteria provided, single submitter. Criteria: Ambry Variant Classification Scheme 2023. Collection method: clinical testing. Allele origin: germline.
Comment: The p.P469S variant (also known as c.1405C>T), located in coding exon 6 of the PALLD gene, results from a C to T substitution at nucleotide position 1405. The proline at codon 469 is replaced by serine, an amino acid with similar properties. This amino acid position is conserved. In addition, this alteration is predicted to be tolerated by in silico analysis. Since supporting evidence is limited at this time, the clinical significance of this alteration remains unclear.

NM_001166108.2(PALLD):c.1405C>T (p.Pro469Ser)

Gene: PALLD (palladin, cytoskeletal associated protein; plus strand). Cytogenetic location: 4q32.3.
Variant type: single nucleotide variant.
Coding change: c.1405C>T on transcript NM_001166108.2 (MANE Select); coding-DNA position 1405, C replaced by T.
Protein change: p.Pro469Ser; replaces proline 469 with serine.
Molecular consequence: missense variant.
Genome position (GRCh38, 1-based): chr4:168,690,672, C>T. VCF-style: chr4-168690672-C-T. GRCh37 (hg19) VCF-style: chr4-169611823-C-T.
Other names: c.259C>T, p.Pro87Ser (NM_001166109.2); c.1405C>T, p.Pro469Ser (NM_016081.4); short protein forms P469S, P87S.
Identifiers: ClinVar variation 1771886 (VCV001771886.3), dbSNP rs1332360017, ClinGen allele CA358795683.